The following is an entry in ClinVar:

NM_024783.4(AGBL2):c.619C>T (p.Gln207Ter)

Gene: AGBL2 (AGBL carboxypeptidase 2; minus strand). Cytogenetic location: 11p11.2.
Variant type: single nucleotide variant.
Coding change: c.619C>T on transcript NM_024783.4 (MANE Select); coding-DNA position 619, C replaced by T.
Protein change: p.Gln207Ter; replaces glutamine 207 with a stop codon.
Molecular consequence: nonsense.
Genome position (GRCh38, 1-based): chr11:47,699,521, G>A on the plus strand (C>T on the coding strand, the complement: AGBL2 is on the minus strand). VCF-style: chr11-47699521-G-A. GRCh37 (hg19) VCF-style: chr11-47721073-G-A.
Other names: short protein forms Q207*.
Identifiers: ClinVar variation 1301782 (VCV001301782.2), dbSNP rs766879154, ClinGen allele CA5979333.

ClinVar aggregate classification (germline): Uncertain significance (1 of 4 stars; one submission).

Allele frequency attached by ClinVar (database versions not stated): gnomAD 0.00001; gnomAD exomes 0.00001 and 0.00002; ExAC 0.00004.
gnomAD v4.1: 19 of 1,606,208 alleles (0.0012%); highest among the groups gnomAD compares: Middle Eastern, 0.017%; no homozygotes.

Submission:

Dubai Health Genomic Medicine Center, Dubai Health
Classification: Uncertain significance. Last evaluated: 2020-03-23. Review status: criteria provided, single submitter. Criteria: ACMG Guidelines, 2015. Collection method: clinical testing. Allele origin: germline. Affected: yes.
Comment: The p.Gln207* in AGBL2 has not been previously reported in invdividuals with disease but was identified in 7/278848 (0.0025% 0 homozygotes) total alleles in the Genome Aggregation Database (gnomAD). This nonsense variant which impacts the only known AGBL2 transcript leads to a premature termination codon at position 207 which is predicted to lead to a truncated or absent protein. However there is limited evidence supporting a role for AGBL2 in human disease. Therefore more information is needed to determine the clinical significance of this variant. One homozygous LOF variant in AGBL2 was reported in one study in a patient with cerebral fronto-parieto-temporal atrophy simplified gyral pattern diffuse thinning of corpus callosum and seizures (PMID: 26539891). Agbl2/Agbl3 (617346) double-knockout (KO) mice were viable and had no obvious phenotypic alterations compared with wildtype littermates. More data is needed to establish the association of this gene with disease.